The following is an entry in ClinVar:

NM_001165963.4(SCN1A):c.5527C>T (p.Gln1843Ter)

Genes: SCN1A (sodium voltage-gated channel alpha subunit 1; minus strand), LOC102724058 (uncharacterized LOC102724058; plus strand). Cytogenetic location: 2q24.3.
Variant type: single nucleotide variant.
Coding change: c.5527C>T on transcript NM_001165963.4 (MANE Select); coding-DNA position 5527, C replaced by T.
Protein change: p.Gln1843Ter; replaces glutamine 1843 with a stop codon.
Molecular consequence: nonsense. On other transcripts: non-coding transcript variant (1).
Genome position (GRCh38, 1-based): chr2:165,991,748, G>A on the plus strand (C>T on the coding strand, the complement: SCN1A is on the minus strand). VCF-style: chr2-165991748-G-A. GRCh37 (hg19) VCF-style: chr2-166848258-G-A.
Other names: c.5443C>T, p.Gln1815Ter (NM_001165964.3, NM_001353957.2, NM_001353958.2); c.5527C>T, p.Gln1843Ter (NM_001202435.3, NM_001353948.2); c.5494C>T, p.Gln1832Ter (NM_001353949.2, NM_001353950.2, NM_001353951.2 and 2 more transcripts); c.5491C>T, p.Gln1831Ter (NM_001353954.2, NM_001353955.2); c.5440C>T, p.Gln1814Ter (NM_001353960.2); c.3085C>T, p.Gln1029Ter (NM_001353961.2); short protein forms Q1029*, Q1814*, Q1815*, Q1831*, Q1832*, Q1843*.
Identifiers: ClinVar variation 1072142 (VCV001072142.11), dbSNP rs1553520078, ClinGen allele CA349065610.
Genomic context (GRCh38, chr2:165,991,748, plus strand): 5'-GGATCCGGTCACCACTCACCATGGGCAAATCCATGGCAATGAGCTGGAGTTTGTTTGGTT[G>A]TGGCAGATTGAGAGGCGGTTCAAGCGCAGCTGCAAACTGAGATAATTTTTCAAATTCCAT-3'

ClinVar aggregate classification (germline): Pathogenic (1 of 4 stars; one submission).

Conditions:
Early-infantile DEE. Also called: Ohtahara syndrome; Early infantile epileptic encephalopathy with suppression bursts; Early infantile epileptic encephalopathy. Identifiers: Orphanet 1934, MedGen C0393706, MONDO:0800491.

Submission:

Labcorp Genetics (formerly Invitae), Labcorp
Classification: Pathogenic for Early-infantile DEE. Last evaluated: 2022-11-22. Review status: criteria provided, single submitter. Criteria: Invitae Variant Classification Sherloc (09022015). Collection method: clinical testing. Allele origin: germline.
Comment: For these reasons, this variant has been classified as Pathogenic. This variant disrupts a region of the SCN1A protein in which other variant(s) (p.Arg1924Leufs*8) have been determined to be pathogenic (PMID: 27465585). This suggests that this is a clinically significant region of the protein, and that variants that disrupt it are likely to be disease-causing. ClinVar contains an entry for this variant (Variation ID: 1072142). This variant is also known as p.Gln1815Ter. This premature translational stop signal has been observed in individual(s) with epileptic encephalopathy with cerebellar atrophy (PMID: 31487502). This variant is not present in population databases (gnomAD no frequency). This sequence change creates a premature translational stop signal (p.Gln1843*) in the SCN1A gene. While this is not anticipated to result in nonsense mediated decay, it is expected to disrupt the last 167 amino acid(s) of the SCN1A protein.

Literature cited by the submitters: PubMed 27465585; PubMed 31487502.